The following is an entry in ClinVar:

NM_014920.5(CILK1):c.344T>G (p.Phe115Cys)

Gene: CILK1 (ciliogenesis associated kinase 1; minus strand). Cytogenetic location: 6p12.1.
Variant type: single nucleotide variant.
Coding change: c.344T>G on transcript NM_014920.5 (MANE Select); coding-DNA position 344, T replaced by G.
Protein change: p.Phe115Cys; replaces phenylalanine 115 with cysteine.
Molecular consequence: missense variant. On other transcripts: non-coding transcript variant (1).
Genome position (GRCh38, 1-based): chr6:53,031,079, A>C on the plus strand (T>G on the coding strand, the complement: CILK1 is on the minus strand). VCF-style: chr6-53031079-A-C. GRCh37 (hg19) VCF-style: chr6-52895877-A-C.
Other names: c.344T>G, p.Phe115Cys (NM_001375397.1, NM_001375398.1, NM_001375399.1 and 4 more transcripts); short protein forms F115C.
Identifiers: ClinVar variation 2633878 (VCV002633878.1), dbSNP rs2533335625, ClinGen allele CA364474504.

ClinVar aggregate classification (germline): Uncertain significance (1 of 4 stars; one submission).

Conditions:
CILK1-related disorder. Also called: CILK1-related condition.

Submission:

PreventionGenetics, part of Exact Sciences
Classification: Uncertain significance for CILK1-related condition. Last evaluated: 2023-03-23. Review status: criteria provided, single submitter. Criteria: ACMG Guidelines, 2015. Collection method: clinical testing. Allele origin: germline.
Comment: The CILK1 c.344T>G variant is predicted to result in the amino acid substitution p.Phe115Cys. To our knowledge, this variant has not been reported in the literature or in a large population database, indicating this variant is rare. At this time, the clinical significance of this variant is uncertain due to the absence of conclusive functional and genetic evidence.